The following is an entry in ClinVar:

ClinVar aggregate classification (germline): Uncertain significance (1 of 4 stars; one submission).

Conditions:
Hereditary cancer-predisposing syndrome. Also called: Neoplastic Syndromes, Hereditary; Hereditary Cancer Syndrome; Tumor predisposition; Hereditary neoplastic syndrome. Identifiers: Orphanet 140162, MedGen C0027672, MeSH D009386, MONDO:0015356.

Submission:

Ambry Genetics
Classification: Uncertain significance for Hereditary cancer-predisposing syndrome. Last evaluated: 2025-03-02. Review status: criteria provided, single submitter. Criteria: Ambry Variant Classification Scheme 2023. Collection method: clinical testing. Allele origin: germline.
Comment: The p.L760F variant (also known as c.2280G>T), located in coding exon 15 of the PTCH1 gene, results from a G to T substitution at nucleotide position 2280. The leucine at codon 760 is replaced by phenylalanine, an amino acid with highly similar properties. This amino acid position is conserved. In addition, the in silico prediction for this alteration is inconclusive. Based on the available evidence, the clinical significance of this variant remains unclear.

NM_000264.5(PTCH1):c.2280G>T (p.Leu760Phe)

Genes: PTCH1 (patched 1; minus strand), LOC100507346 (uncharacterized LOC100507346; plus strand). Cytogenetic location: 9q22.32.
Variant type: single nucleotide variant.
Coding change: c.2280G>T on transcript NM_000264.5 (MANE Select); coding-DNA position 2280, G replaced by T.
Protein change: p.Leu760Phe; replaces leucine 760 with phenylalanine.
Molecular consequence: missense variant. On other transcripts: non-coding transcript variant (1).
Genome position (GRCh38, 1-based): chr9:95,467,396, C>A on the plus strand (G>T on the coding strand, the complement: PTCH1 is on the minus strand). VCF-style: chr9-95467396-C-A. GRCh37 (hg19) VCF-style: chr9-98229678-C-A.
Other names: c.2277G>T, p.Leu759Phe (NM_001083603.3); c.2082G>T, p.Leu694Phe (NM_001083602.3); c.1827G>T, p.Leu609Phe (NM_001083604.3, NM_001083605.3, NM_001083606.3 and 1 more transcripts); c.2124G>T, p.Leu708Phe (NM_001354918.2); short protein forms L694F, L708F, L759F, L609F, L760F.
Identifiers: ClinVar variation 3784675 (VCV003784675.1).